The following is an entry in ClinVar:

ClinVar aggregate classification (germline): Pathogenic (1 of 4 stars; one submission).

Conditions:
Hereditary cancer-predisposing syndrome. Also called: Hereditary Cancer Syndrome; Tumor predisposition; Neoplastic Syndromes, Hereditary; Hereditary neoplastic syndrome. Identifiers: Orphanet 140162, MedGen C0027672, MeSH D009386, MONDO:0015356.

Submission:

Labcorp Genetics (formerly Invitae), Labcorp
Classification: Pathogenic for Hereditary cancer-predisposing syndrome. Last evaluated: 2022-08-20. Review status: criteria provided, single submitter. Criteria: Invitae Variant Classification Sherloc (09022015). Collection method: clinical testing. Allele origin: germline.
Comment: For these reasons, this variant has been classified as Pathogenic. This variant has not been reported in the literature in individuals affected with RAD50-related conditions. This variant is not present in population databases (gnomAD no frequency). This sequence change creates a premature translational stop signal (p.Gln861*) in the RAD50 gene. It is expected to result in an absent or disrupted protein product. Loss-of-function variants in RAD50 are known to be pathogenic (PMID: 19409520).

Literature cited by the submitters: PubMed 19409520.

NM_005732.4(RAD50):c.2581C>T (p.Gln861Ter)

Gene: RAD50 (RAD50 double strand break repair protein; plus strand). Cytogenetic location: 5q31.1.
Variant type: single nucleotide variant.
Coding change: c.2581C>T on transcript NM_005732.4 (MANE Select); coding-DNA position 2581, C replaced by T.
Protein change: p.Gln861Ter; replaces glutamine 861 with a stop codon.
Molecular consequence: nonsense.
Genome position (GRCh38, 1-based): chr5:132,604,862, C>T. VCF-style: chr5-132604862-C-T. GRCh37 (hg19) VCF-style: chr5-131940554-C-T.
Other names: short protein forms Q861*.
Identifiers: ClinVar variation 2025211 (VCV002025211.4), dbSNP rs1750954067, ClinGen allele CA360956432.